The following is an entry in ClinVar:

ClinVar aggregate classification (germline): Uncertain significance (1 of 4 stars; one submission).

Conditions:
TTC21B-related disorder. Also called: TTC21B-related disorders; TTC21B-related condition.

gnomAD v4.1: 1 of 1,603,220 alleles (0.000062%); highest among the groups gnomAD compares: East Asian, 0.0022%; no homozygotes.

Submission:

PreventionGenetics, part of Exact Sciences
Classification: Uncertain significance for TTC21B-related condition. Last evaluated: 2025-08-26. Review status: criteria provided, single submitter. Criteria: ACMG Guidelines, 2015. Collection method: clinical testing. Allele origin: germline.
Comment: The TTC21B c.3843A>C variant is predicted to result in the amino acid substitution p.Arg1281Ser. To our knowledge, this variant has not been reported in the literature. This variant is reported in 0.0055% of alleles in individuals of East Asian descent in gnomAD. At this time, the clinical significance of this variant is uncertain due to the absence of conclusive functional and genetic evidence.

NM_024753.5(TTC21B):c.3843A>C (p.Arg1281Ser)

Gene: TTC21B (tetratricopeptide repeat domain 21B; minus strand). Cytogenetic location: 2q24.3.
Variant type: single nucleotide variant.
Coding change: c.3843A>C on transcript NM_024753.5 (MANE Select); coding-DNA position 3843, A replaced by C.
Protein change: p.Arg1281Ser; replaces arginine 1281 with serine.
Molecular consequence: missense variant.
Genome position (GRCh38, 1-based): chr2:165,876,195, T>G on the plus strand (A>C on the coding strand, the complement: TTC21B is on the minus strand). VCF-style: chr2-165876195-T-G. GRCh37 (hg19) VCF-style: chr2-166732705-T-G.
Other names: short protein forms R1281S.
Identifiers: ClinVar variation 4983562 (VCV004983562.1).